The following is an entry in ClinVar:

ClinVar aggregate classification (germline): Uncertain significance (1 of 4 stars; one submission).

Allele frequency attached by ClinVar (database versions not stated): gnomAD exomes below 0.00001.
gnomAD v4.1: 1 of 1,614,098 alleles (0.000062%); highest among the groups gnomAD compares: South Asian, 0.0011%; no homozygotes.

Submission:

Labcorp Genetics (formerly Invitae), Labcorp
Classification: Uncertain significance. Last evaluated: 2022-04-18. Review status: criteria provided, single submitter. Criteria: Invitae Variant Classification Sherloc (09022015). Collection method: clinical testing. Allele origin: germline.
Comment: In summary, the available evidence is currently insufficient to determine the role of this variant in disease. Therefore, it has been classified as a Variant of Uncertain Significance. Algorithms developed to predict the effect of missense changes on protein structure and function are either unavailable or do not agree on the potential impact of this missense change (SIFT: "Deleterious"; PolyPhen-2: "Benign"; Align-GVGD: "Class C65"). This variant has not been reported in the literature in individuals affected with SMARCB1-related conditions. This variant is present in population databases (no rsID available, gnomAD 0.003%). This sequence change replaces asparagine, which is neutral and polar, with lysine, which is basic and polar, at codon 209 of the SMARCB1 protein (p.Asn209Lys).

NM_003073.5(SMARCB1):c.627T>A (p.Asn209Lys)

Gene: SMARCB1 (SWI/SNF related BAF chromatin remodeling complex subunit B1; plus strand). Cytogenetic location: 22q11.23.
Variant type: single nucleotide variant.
Coding change: c.627T>A on transcript NM_003073.5 (MANE Select); coding-DNA position 627, T replaced by A.
Protein change: p.Asn209Lys; replaces asparagine 209 with lysine.
Molecular consequence: missense variant.
Genome position (GRCh38, 1-based): chr22:23,803,421, T>A. VCF-style: chr22-23803421-T-A. GRCh37 (hg19) VCF-style: chr22-24145608-T-A.
Other names: c.600T>A, p.Asn200Lys (NM_001007468.3); c.654T>A, p.Asn218Lys (NM_001317946.2); c.681T>A, p.Asn227Lys (NM_001362877.2); short protein forms N200K, N209K, N227K, N218K.
Identifiers: ClinVar variation 2102868 (VCV002102868.4), dbSNP rs1425259448, ClinGen allele CA410936047.